The following is an entry in ClinVar:

NM_001369.3(DNAH5):c.11496_11497del (p.Glu3832fs)

Gene: DNAH5 (dynein axonemal heavy chain 5; minus strand). Cytogenetic location: 5p15.2.
Variant type: Microsatellite.
Coding change: c.11496_11497del on transcript NM_001369.3 (MANE Select); coding-DNA positions 11496 to 11497, 2 bases deleted (GA; older notation c.11496_11497delGA).
Protein change: p.Glu3832fs; shifts the reading frame from glutamic acid 3832.
Molecular consequence: frameshift variant.
Genome position (GRCh38, 1-based): chr5:13,735,891-13,735,892, TC deleted on the plus strand (GA on the coding strand, the reverse complement: DNAH5 is on the minus strand); deleting any 2 consecutive bases within chr5:13,735,891-13,735,894 gives the same sequence; the c. name uses the placement nearest the transcript's 3' end. VCF-style (leftmost placement, unchanged base first): chr5-13735890-ATC-A. GRCh37 (hg19) VCF-style: chr5-13735999-ATC-A.
Other names: short protein forms E3832fs.
Identifiers: ClinVar variation 1725591 (VCV001725591.2), dbSNP rs2546564147, ClinGen allele CA2580613517.

ClinVar aggregate classification (germline): Likely pathogenic (1 of 4 stars; one submission).

Conditions:
Primary ciliary dyskinesia 3. Identifiers: Orphanet 244, MedGen C1837618, MONDO:0012085, OMIM 608644.

Submission:

Myriad Genetics, Inc.
Classification: Likely pathogenic for Primary ciliary dyskinesia 3. Last evaluated: 2022-03-30. Review status: criteria provided, single submitter. Criteria: Myriad Women's Health Autosomal Recessive and X-Linked Classification Criteria (2021). Collection method: clinical testing. Allele origin: unknown.
Comment: NM_001369.2(DNAH5):c.11496_11497delGA(E3832Dfs*5) is expected to be pathogenic in the context of DNAH5-related primary ciliary dyskinesia. This variant is predicted to lead to an abnormal or absent protein product due to the creation of a premature termination codon in DNAH5, a gene where loss-of-function variants are known to be pathogenic. Please note: this variant was assessed in the context of healthy population screening.